The following is an entry in ClinVar:

NM_017780.4(CHD7):c.6107C>T (p.Pro2036Leu)

Gene: CHD7 (chromodomain helicase DNA binding protein 7; plus strand). Cytogenetic location: 8q12.2.
Variant type: single nucleotide variant.
Coding change: c.6107C>T on transcript NM_017780.4 (MANE Select); coding-DNA position 6107, C replaced by T.
Protein change: p.Pro2036Leu; replaces proline 2036 with leucine.
Molecular consequence: missense variant. On other transcripts: intron variant (1).
Genome position (GRCh38, 1-based): chr8:60,852,832, C>T. VCF-style: chr8-60852832-C-T. GRCh37 (hg19) VCF-style: chr8-61765391-C-T.
Other names: c.1717-9397C>T (NM_001316690.1); short protein forms P2036L.
Identifiers: ClinVar variation 1211199 (VCV001211199.14), dbSNP rs369543203, ClinGen allele CA4760533.

ClinVar aggregate classification (germline): Conflicting classifications of pathogenicity. Review status: criteria provided, conflicting classifications (1 of 4 stars). 3 submissions from 3 submitters: Uncertain significance (1); Likely benign (2). Last evaluated 2025-12-18.

Conditions:
CHARGE syndrome (CHARGE). Also called: Hittner Hirsch Kreh syndrome; CHARGE ASSOCIATION--COLOBOMA, HEART ANOMALY, CHOANAL ATRESIA, RETARDATION, GENITAL AND EAR ANOMALIES; Coloboma, heart anomaly, choanal atresia, retardation, genital and ear anomalies; CHARGE association; Hall-Hittner syndrome. Identifiers: Orphanet 138, MedGen C0265354, MONDO:0008965.

Allele frequency attached by ClinVar (database versions not stated): gnomAD 0.00003 and 0.00004; gnomAD exomes 0.00003 and 0.00011; ESP Exome Variant Server 0.00008; ExAC 0.00011.
gnomAD v4.1: 48 of 1,611,488 alleles (0.003%); highest among the groups gnomAD compares: East Asian, 0.051%; no homozygotes.

Submissions (3):

Labcorp Genetics (formerly Invitae), Labcorp
Classification: Likely benign for CHARGE syndrome. Last evaluated: 2025-12-18. Review status: criteria provided, single submitter. Criteria: Invitae Variant Classification Sherloc (09022015). Collection method: clinical testing. Allele origin: germline.

GeneDx
Classification: Likely benign. Last evaluated: 2021-05-24. Review status: criteria provided, single submitter. Criteria: GeneDx Variant Classification Process June 2021. Collection method: clinical testing. Allele origin: germline. Affected: yes.
Comment: This variant is associated with the following publications: (PMID: 32171037)

Revvity Omics, Revvity
Classification: Uncertain significance. Last evaluated: 2019-09-11. Review status: criteria provided, single submitter. Criteria: ACMG Guidelines, 2015. Collection method: clinical testing. Allele origin: germline.